The following is an entry in ClinVar:

ClinVar aggregate classification (germline): Likely pathogenic (1 of 4 stars; one submission).

Conditions:
Hemochromatosis type 2A (HFE2A). Also called: Adult-Onset Hemochromatosis; HJV (HFE2)-Related Juvenile Hemochromatosis. Identifiers: Orphanet 79230, MedGen C1865614, MONDO:0011216, OMIM 602390.

Submission:

Natera, Inc.
Classification: Likely pathogenic for Hemochromatosis type 2A. Last evaluated: 2024-07-26. Review status: criteria provided, single submitter. Criteria: Natera Variant Classification Schema (03/2026). Collection method: clinical testing. Allele origin: germline.
Comment: The c.1026del variant in HJV is a frameshift variant predicted to shift the reading frame beginning at codon 343 and leads to a stop codon 24 codons downstream. This variant is expected to result in nonsense mediated decay, truncation, or a dysfunctional protein product. This variant is rare in the general population with a frequency below the threshold expected for the associated phenotype(s). This variant has been observed in one or more individuals affected with the associated recessive disease, as either homozygous or compound heterozygous with a second variant (PMID: 19342478). Given the available evidence, this variant is classified as Likely Pathogenic.

Literature cited by the submitters: PubMed 19342478.

NM_213653.4(HJV):c.1026del (p.Ala343fs)

Gene: HJV (hemojuvelin BMP co-receptor; minus strand). Cytogenetic location: 1q21.1.
Variant type: Deletion.
Coding change: c.1026del on transcript NM_213653.4 (MANE Select); coding-DNA position 1026, one base deleted (T; older notation c.1026delT).
Protein change: p.Ala343fs; shifts the reading frame from alanine 343.
Molecular consequence: frameshift variant.
Genome position (GRCh38, 1-based): chr1:146,018,332, A deleted on the plus strand (T on the coding strand, the reverse complement: HJV is on the minus strand). VCF-style (leftmost placement, unchanged base first): chr1-146018331-CA-C. GRCh37 (hg19) VCF-style: chr1-145416680-CT-C.
Other names: c.348del, p.Ala117fs (NM_001316767.2, NM_202004.4, NM_213652.4); c.1026del, p.Ala343fs (NM_001379352.1); c.687del, p.Ala230fs (NM_145277.5); short protein forms A117fs, A230fs, A343fs.
Identifiers: ClinVar variation 4817165 (VCV004817165.1).
Genomic context (GRCh38, chr1:146,018,331, plus strand): 5'-AGACACAGGAATGGAAGTAAGCATCTTCCACTGGAAGCCCTTCCTTGCACAGCCGTCTGG[CA>C]GTATCAATGGTTATAGCTCCCCGACGATTGCGCTCTGATCGAGAGAGTCGCTGACTTGGA-3'